The following is an entry in ClinVar:

NM_015346.4(ZFYVE26):c.1870G>A (p.Ala624Thr)

Gene: ZFYVE26 (zinc finger FYVE-type containing 26; minus strand). Cytogenetic location: 14q24.1.
Variant type: single nucleotide variant.
Coding change: c.1870G>A on transcript NM_015346.4 (MANE Select); coding-DNA position 1870, G replaced by A.
Protein change: p.Ala624Thr; replaces alanine 624 with threonine.
Molecular consequence: missense variant.
Genome position (GRCh38, 1-based): chr14:67,798,392, C>T on the plus strand (G>A on the coding strand, the complement: ZFYVE26 is on the minus strand). VCF-style: chr14-67798392-C-T. GRCh37 (hg19) VCF-style: chr14-68265109-C-T.
Other names: short protein forms A624T.
Identifiers: ClinVar variation 699330 (VCV000699330.41), dbSNP rs531152715, ClinGen allele CA7240431.

ClinVar aggregate classification (germline): Conflicting classifications of pathogenicity. Review status: criteria provided, conflicting classifications (1 of 4 stars). 4 submissions from 4 submitters: Uncertain significance (1); Benign (1); Likely benign (2). Last evaluated 2026-02-01.

Conditions:
Hereditary spastic paraplegia. Also called: Familial spastic paraparesis. Identifiers: Orphanet 685, MedGen C0037773, MONDO:0019064. Disease mechanism: loss of function.
Spastic paraplegia. Identifiers: MedGen C0037772, HP:0001258.
Hereditary spastic paraplegia 15 (SPG15). Also called: KJELLIN SYNDROME; SPASTIC PARAPLEGIA AND RETINAL DEGENERATION; SPASTIC PARAPLEGIA 15, AUTOSOMAL RECESSIVE. Identifiers: Orphanet 100996, MedGen C1849128, MONDO:0010044, OMIM 270700.

Allele frequency attached by ClinVar (database versions not stated): gnomAD below 0.00001 and 0.00026; TOPMed 0.00005; gnomAD exomes 0.00034 and 0.00072; ExAC 0.00084; 1000 Genomes Project 30x 0.00328; 1000 Genomes Project 0.00359.
gnomAD v4.1: 538 of 1,612,292 alleles (0.033%); highest among the groups gnomAD compares: South Asian, 0.56%; 7 homozygotes.

Submissions (4):

CeGaT Center for Human Genetics Tuebingen
Classification: Likely benign. Last evaluated: 2026-02-01. Review status: criteria provided, single submitter. Criteria: CeGaT Center For Human Genetics Tuebingen Variant Classification Criteria Version 2. Collection method: clinical testing. Allele origin: germline. Affected: yes. Observed: 2 variant alleles.
Comment: ZFYVE26: BP4, BS2

Labcorp Genetics (formerly Invitae), Labcorp
Classification: Benign for Spastic paraplegia. Last evaluated: 2026-01-24. Review status: criteria provided, single submitter. Criteria: Invitae Variant Classification Sherloc (09022015). Collection method: clinical testing. Allele origin: germline.

Genome Diagnostics Laboratory, The Hospital for Sick Children
Classification: Likely benign for Hereditary spastic paraplegia. Last evaluated: 2020-01-14. Review status: criteria provided, single submitter. Criteria: ACMG Guidelines, 2015. Collection method: clinical testing. Allele origin: germline. Affected: yes.

Illumina Laboratory Services, Illumina
Classification: Uncertain significance for Hereditary spastic paraplegia 15. Last evaluated: 2018-01-13. Review status: criteria provided, single submitter. Criteria: ICSL Variant Classification Criteria 13 December 2019. Collection method: clinical testing. Allele origin: germline.